The following is an entry in ClinVar:

ClinVar aggregate classification (germline): Pathogenic (1 of 4 stars; one submission).

Submission:

Labcorp Genetics (formerly Invitae), Labcorp
Classification: Pathogenic. Last evaluated: 2023-06-14. Review status: criteria provided, single submitter. Criteria: Invitae Variant Classification Sherloc (09022015). Collection method: clinical testing. Allele origin: germline.
Comment: This variant has not been reported in the literature in individuals affected with FRAS1-related conditions. For these reasons, this variant has been classified as Pathogenic. This variant is not present in population databases (gnomAD no frequency). This sequence change creates a premature translational stop signal (p.Asp1890Ilefs*11) in the FRAS1 gene. It is expected to result in an absent or disrupted protein product. Loss-of-function variants in FRAS1 are known to be pathogenic (PMID: 12766769, 18671281).

Literature cited by the submitters: PubMed 12766769; PubMed 18671281.

NM_025074.7(FRAS1):c.5667del (p.Asp1890fs)

Gene: FRAS1 (Fraser extracellular matrix complex subunit 1; plus strand). Cytogenetic location: 4q21.21.
Variant type: Deletion.
Coding change: c.5667del on transcript NM_025074.7 (MANE Select); coding-DNA position 5667, one base deleted (T; older notation c.5667delT).
Protein change: p.Asp1890fs; shifts the reading frame from aspartic acid 1890.
Molecular consequence: frameshift variant.
Genome position (GRCh38, 1-based): chr4:78,445,523, T deleted. VCF-style (leftmost placement, unchanged base first): chr4-78445522-GT-G. GRCh37 (hg19) VCF-style: chr4-79366676-GT-G.
Other names: c.5667del, p.Asp1890fs (NM_001166133.2); short protein forms D1890fs.
Identifiers: ClinVar variation 2715408 (VCV002715408.3), dbSNP rs2477213389, ClinGen allele CA2697546774.